The following is an entry in ClinVar:

NM_001873.4(CPE):c.735C>G (p.Ala245=)

Gene: CPE (carboxypeptidase E; plus strand). Cytogenetic location: 4q32.3.
Variant type: single nucleotide variant.
Coding change: c.735C>G on transcript NM_001873.4 (MANE Select); coding-DNA position 735, C replaced by G.
Protein change: p.Ala245=; no amino-acid change (alanine 245 retained).
Molecular consequence: synonymous variant.
Genome position (GRCh38, 1-based): chr4:165,482,304, C>G. VCF-style: chr4-165482304-C-G. GRCh37 (hg19) VCF-style: chr4-166403456-C-G.
Identifiers: ClinVar variation 3355154 (VCV003355154.1).

ClinVar aggregate classification (germline): Likely benign (0 of 4 stars; one submission).

Conditions:
CPE-related disorder. Also called: CPE-related condition.

gnomAD v4.1: 2 of 1,613,878 alleles (0.00012%); highest among the groups gnomAD compares: African/African-American, 0.0013%; no homozygotes.

Submission:

PreventionGenetics, part of Exact Sciences
Classification: Likely benign for CPE-related condition. Last evaluated: 2021-12-30. Review status: no assertion criteria provided. Collection method: clinical testing. Allele origin: germline.
Comment: This variant is classified as likely benign based on ACMG/AMP sequence variant interpretation guidelines (Richards et al. 2015 PMID: 25741868, with internal and published modifications).